The following is an entry in ClinVar:

NM_004204.5(PIGQ):c.82A>T (p.Ser28Cys)

Gene: PIGQ (phosphatidylinositol glycan anchor biosynthesis class Q; plus strand). Cytogenetic location: 16p13.3.
Variant type: single nucleotide variant.
Coding change: c.82A>T on transcript NM_004204.5 (MANE Select); coding-DNA position 82, A replaced by T.
Protein change: p.Ser28Cys; replaces serine 28 with cysteine.
Molecular consequence: missense variant.
Genome position (GRCh38, 1-based): chr16:574,156, A>T. VCF-style: chr16-574156-A-T. GRCh37 (hg19) VCF-style: chr16-624156-A-T.
Other names: c.82A>T, p.Ser28Cys (NM_148920.4); c.82A>T (NM_148920.1); short protein forms S28C.
Identifiers: ClinVar variation 937129 (VCV000937129.7), dbSNP rs1299731760, ClinGen allele CA394045361.

ClinVar aggregate classification (germline): Uncertain significance. Review status: criteria provided, multiple submitters, no conflicts (2 of 4 stars). 2 submissions from 2 submitters: Uncertain significance (2). Last evaluated 2022-06-24.

Conditions:
Epilepsy. Also called: Seizure disorder. Identifiers: MedGen C0014544, MeSH D004827, MONDO:0005027.
Inborn genetic diseases. Identifiers: MedGen C0950123, MeSH D030342.

Allele frequency attached by ClinVar (database versions not stated): gnomAD exomes 0.00001; TOPMed 0.00003.
gnomAD v4.1: 7 of 1,612,532 alleles (0.00043%); highest among the groups gnomAD compares: Admixed American, 0.012%; no homozygotes.

Submissions (2):

Ambry Genetics
Classification: Uncertain significance for Inborn genetic diseases. Last evaluated: 2022-06-24. Review status: criteria provided, single submitter. Criteria: Ambry Variant Classification Scheme 2023. Collection method: clinical testing. Allele origin: germline.

Labcorp Genetics (formerly Invitae), Labcorp
Classification: Uncertain significance for Epilepsy. Last evaluated: 2022-06-08. Review status: criteria provided, single submitter. Criteria: Invitae Variant Classification Sherloc (09022015). Collection method: clinical testing. Allele origin: germline.
Comment: This sequence change replaces serine, which is neutral and polar, with cysteine, which is neutral and slightly polar, at codon 28 of the PIGQ protein (p.Ser28Cys). This variant is present in population databases (no rsID available, gnomAD 0.006%). This variant has not been reported in the literature in individuals affected with PIGQ-related conditions. ClinVar contains an entry for this variant (Variation ID: 937129). Algorithms developed to predict the effect of missense changes on protein structure and function are either unavailable or do not agree on the potential impact of this missense change (SIFT: "Tolerated"; PolyPhen-2: "Possibly Damaging"; Align-GVGD: "Class C0"). In summary, the available evidence is currently insufficient to determine the role of this variant in disease. Therefore, it has been classified as a Variant of Uncertain Significance.